The following is an entry in ClinVar:

ClinVar aggregate classification (germline): Uncertain significance (1 of 4 stars; one submission).

Allele frequency attached by ClinVar (database versions not stated): ExAC 0.00002.
gnomAD v4.1: 12 of 1,614,218 alleles (0.00074%); highest among the groups gnomAD compares: South Asian, 0.013%; 1 homozygote.

Submission:

GeneDx
Classification: Uncertain significance. Last evaluated: 2023-03-10. Review status: criteria provided, single submitter. Criteria: GeneDx Variant Classification Process June 2021. Collection method: clinical testing. Allele origin: germline. Affected: yes.
Comment: In silico analysis supports that this missense variant does not alter protein structure/function; Has not been previously published as pathogenic or benign to our knowledge; This variant is associated with the following publications: (PMID: 24863639)

NM_014874.4(MFN2):c.1087G>T (p.Val363Phe)

Gene: MFN2 (mitofusin 2; plus strand). Cytogenetic location: 1p36.22.
Variant type: single nucleotide variant.
Coding change: c.1087G>T on transcript NM_014874.4 (MANE Select); coding-DNA position 1087, G replaced by T.
Protein change: p.Val363Phe; replaces valine 363 with phenylalanine.
Molecular consequence: missense variant.
Genome position (GRCh38, 1-based): chr1:12,002,030, G>T. VCF-style: chr1-12002030-G-T. GRCh37 (hg19) VCF-style: chr1-12062087-G-T.
Other names: c.1087G>T, p.Val363Phe (NM_001127660.2); short protein forms V363F.
Identifiers: ClinVar variation 2579335 (VCV002579335.1), dbSNP rs769096722, ClinGen allele CA599007.